The following is an entry in ClinVar:

NM_205836.3(FBXO38):c.1858C>T (p.Arg620Trp)

Gene: FBXO38 (F-box protein 38; plus strand). Cytogenetic location: 5q32.
Variant type: single nucleotide variant.
Coding change: c.1858C>T on transcript NM_205836.3 (MANE Select); coding-DNA position 1858, C replaced by T.
Protein change: p.Arg620Trp; replaces arginine 620 with tryptophan.
Molecular consequence: missense variant.
Genome position (GRCh38, 1-based): chr5:148,425,641, C>T. VCF-style: chr5-148425641-C-T. GRCh37 (hg19) VCF-style: chr5-147805204-C-T.
Other names: c.1858C>T, p.Arg620Trp (NM_001271723.2, NM_030793.5); short protein forms R620W.
Identifiers: ClinVar variation 574620 (VCV000574620.13), dbSNP rs539397614, ClinGen allele CA3497397.

ClinVar aggregate classification (germline): Conflicting classifications of pathogenicity. Review status: criteria provided, conflicting classifications (1 of 4 stars). 2 submissions from 2 submitters: Uncertain significance (1); Likely benign (1). Last evaluated 2026-03-10.

Conditions:
FBXO38-related disorder. Also called: FBXO38-related condition.
Neuronopathy, distal hereditary motor, type 2D. Also called: NEURONOPATHY, DISTAL HEREDITARY MOTOR, HARDING TYPE IID; NEUROPATHY, DISTAL HEREDITARY MOTOR, HARDING TYPE IID; HMN IID; SPINAL MUSCULAR ATROPHY, DISTAL, AUTOSOMAL DOMINANT, CALF-PREDOMINANT; NEURONOPATHY, DISTAL HEREDITARY MOTOR, AUTOSOMAL DOMINANT 6. Identifiers: Orphanet 139525, MedGen C3888271, MONDO:0014259, OMIM 615575.
Distal hereditary motor neuropathy type 2. Identifiers: Orphanet 139525, MedGen C3711384, MeSH C580044, MONDO:0015352.

Allele frequency attached by ClinVar (database versions not stated): TOPMed 0.00005; ExAC 0.00006; gnomAD 0.00006 and 0.00007; gnomAD exomes 0.00006 and 0.00011; 1000 Genomes Project 0.00020; 1000 Genomes Project 30x 0.00031.
gnomAD v4.1: 179 of 1,613,974 alleles (0.011%); highest among the groups gnomAD compares: Admixed American, 0.013%; no homozygotes.

Submissions (2):

PreventionGenetics, part of Exact Sciences
Classification: Likely benign for FBXO38-related condition. Last evaluated: 2026-03-10. Review status: criteria provided, single submitter. Criteria: ACMG Guidelines, 2015. Collection method: clinical testing. Allele origin: germline.
Comment: This variant is classified as likely benign based on ACMG/AMP sequence variant interpretation guidelines (Richards et al. 2015 PMID: 25741868, with internal and published modifications).

Labcorp Genetics (formerly Invitae), Labcorp
Classification: Uncertain significance for Distal hereditary motor neuropathy type 2. Last evaluated: 2026-01-27. Review status: criteria provided, single submitter. Criteria: Invitae Variant Classification Sherloc (09022015). Collection method: clinical testing. Allele origin: germline.
Comment: This sequence change replaces arginine, which is basic and polar, with tryptophan, which is neutral and slightly polar, at codon 620 of the FBXO38 protein (p.Arg620Trp). This variant is present in population databases (rs539397614, gnomAD 0.01%). This variant has not been reported in the literature in individuals affected with FBXO38-related conditions. ClinVar contains an entry for this variant (Variation ID: 574620). Invitae Evidence Modeling of protein sequence and biophysical properties (such as structural, functional, and spatial information, amino acid conservation, physicochemical variation, residue mobility, and thermodynamic stability) indicates that this missense variant is not expected to disrupt FBXO38 protein function with a negative predictive value of 80%. In summary, the available evidence is currently insufficient to determine the role of this variant in disease. Therefore, it has been classified as a Variant of Uncertain Significance.